The following is an entry in ClinVar:

ClinVar aggregate classification (germline): Uncertain significance. Review status: criteria provided, multiple submitters, no conflicts (2 of 4 stars). 7 submissions from 7 submitters: Uncertain significance (6). 1 of the submissions does not count toward it. Last evaluated 2026-01-18.

Conditions:
POLD1-related polyposis and colorectal cancer syndrome (CRCS10). Also called: COLORECTAL CANCER, SUSCEPTIBILITY TO, ON CHROMOSOME 19q; Colorectal cancer 10; Colorectal cancer, susceptibility to, 10. Identifiers: Orphanet 220460, MedGen C2675481, MONDO:0012953, OMIM 612591.
Mandibular hypoplasia-deafness-progeroid syndrome. Also called: Mandibular hypoplasia, deafness, progeroid features, and lipodystrophy syndrome. Identifiers: Orphanet 363649, MedGen C3715192, MONDO:0014157, OMIM 615381.
Hereditary cancer-predisposing syndrome. Also called: Hereditary Cancer Syndrome; Neoplastic Syndromes, Hereditary; Hereditary neoplastic syndrome; Tumor predisposition. Identifiers: Orphanet 140162, MedGen C0027672, MeSH D009386, MONDO:0015356.
POLD1-related disorder. Also called: POLD1-related condition; POLD1-related disorders.

Allele frequency attached by ClinVar (database versions not stated): gnomAD 0.00004 and 0.00005; gnomAD exomes 0.00007; ExAC 0.00008; TOPMed 0.00009; ESP Exome Variant Server 0.00031.
gnomAD v4.1: 108 of 1,611,682 alleles (0.0067%); highest among the groups gnomAD compares: Admixed American, 0.012%; no homozygotes.

Submissions (7):

Labcorp Genetics (formerly Invitae), Labcorp
Classification: Uncertain significance for POLD1-related polyposis and colorectal cancer syndrome. Last evaluated: 2026-01-18. Review status: criteria provided, single submitter. Criteria: Invitae Variant Classification Sherloc (09022015). Collection method: clinical testing. Allele origin: germline.
Comment: This sequence change replaces glycine, which is neutral and non-polar, with serine, which is neutral and polar, at codon 764 of the POLD1 protein (p.Gly764Ser). This variant is present in population databases (rs148838746, gnomAD 0.02%). This variant has not been reported in the literature in individuals affected with POLD1-related conditions. ClinVar contains an entry for this variant (Variation ID: 239281). Invitae Evidence Modeling of protein sequence and biophysical properties (such as structural, functional, and spatial information, amino acid conservation, physicochemical variation, residue mobility, and thermodynamic stability) indicates that this missense variant is not expected to disrupt POLD1 protein function with a negative predictive value of 80%. RNA analysis performed to evaluate the impact of this missense change on mRNA splicing indicates it does not significantly alter splicing (internal data). In summary, the available evidence is currently insufficient to determine the role of this variant in disease. Therefore, it has been classified as a Variant of Uncertain Significance.

GeneDx
Classification: Uncertain significance. Last evaluated: 2024-12-09. Review status: criteria provided, single submitter. Criteria: GeneDx Variant Classification Process June 2021. Collection method: clinical testing. Allele origin: germline. Affected: yes.
Comment: In silico analysis supports that this missense variant has a deleterious effect on protein structure/function; Has not been previously published as pathogenic or benign to our knowledge; This variant is associated with the following publications: (PMID: 24463508, 20951805, 33850299)

Ambry Genetics
Classification: Uncertain significance for Hereditary cancer-predisposing syndrome. Last evaluated: 2024-12-05. Review status: criteria provided, single submitter. Criteria: Ambry Variant Classification Scheme 2023. Collection method: clinical testing. Allele origin: germline.
Comment: The p.G764S variant (also known as c.2290G>A), located in coding exon 18 of the POLD1 gene, results from a G to A substitution at nucleotide position 2290. The glycine at codon 764 is replaced by serine, an amino acid with similar properties. This amino acid position is well conserved in available vertebrate species. In addition, this alteration is predicted to be tolerated by in silico analysis. Based on the available evidence, the clinical significance of this variant remains unclear.

Sema4
Classification: Uncertain significance for Hereditary cancer-predisposing syndrome. Last evaluated: 2021-05-19. Review status: criteria provided, single submitter. Criteria: Sema4 Curation Guidelines. Collection method: curation. Allele origin: germline.
Comment: The POLD1 c.2290G>A (p.G764S) variant has not been reported in the literature to our knowledge. This variant was observed in 7/35280 chromosomes in the Latino subpopulation of the Genome Aggregation Database (PMID: 32461654). The subpopulation frequency of this variant is higher than expected for a pathogenic variant based on disease/syndrome prevalence and penetrance. This variant has been reported in ClinVar (Variation ID: 239281). In silico tools suggest the impact of the variant on protein function is inconclusive, though these predictions have not been confirmed by functional studies. The overall evidence is insufficient to meet ACMG/AMP criteria for classifying it as benign or pathogenic. In summary, the clinical significance of this variant is currently uncertain.

Quest Diagnostics Nichols Institute San Juan Capistrano
Classification: Uncertain significance. Last evaluated: 2019-07-28. Review status: criteria provided, single submitter. Criteria: Quest Diagnostics criteria. Collection method: clinical testing. Allele origin: germline.

Fulgent Genetics
Classification: Uncertain significance for POLD1-related polyposis and colorectal cancer syndrome; Mandibular hypoplasia-deafness-progeroid syndrome. Last evaluated: 2018-10-31. Review status: criteria provided, single submitter. Criteria: ACMG Guidelines, 2015. Collection method: clinical testing. Allele origin: unknown.

PreventionGenetics, part of Exact Sciences
Classification: Uncertain significance for POLD1-related condition. Last evaluated: 2024-05-28. Review status: no assertion criteria provided. Collection method: clinical testing. Allele origin: germline. Not counted in ClinVar's aggregate classification.
Comment: The POLD1 c.2290G>A variant is predicted to result in the amino acid substitution p.Gly764Ser. This variant was reported as an uncertain variant in an individual with a hematological malignancy and a therapy-related myeloid neoplasm (Table S5, Singhal et al 2021. PubMed ID: 33850299). This variant is reported in 0.020% of alleles in individuals of Latino descent in gnomAD, which may be too common to be a primary cause of disease. In ClinVar, this variant is classified as a variant of uncertain significance. Although we suspect that this variant may be benign, at this time, the clinical significance of this variant is uncertain due to the absence of conclusive functional and genetic evidence.

NM_002691.4(POLD1):c.2290G>A (p.Gly764Ser)

Gene: POLD1 (DNA polymerase delta 1, catalytic subunit; plus strand). Cytogenetic location: 19q13.33.
Variant type: single nucleotide variant.
Coding change: c.2290G>A on transcript NM_002691.4 (MANE Select); coding-DNA position 2290, G replaced by A.
Protein change: p.Gly764Ser; replaces glycine 764 with serine.
Molecular consequence: missense variant. On other transcripts: non-coding transcript variant (1).
Genome position (GRCh38, 1-based): chr19:50,413,781, G>A. VCF-style: chr19-50413781-G-A. GRCh37 (hg19) VCF-style: chr19-50917038-G-A.
Other names: c.2290G>A, p.Gly764Ser (NM_001256849.1); c.2368G>A, p.Gly790Ser (NM_001308632.1); short protein forms G764S, G790S.
Identifiers: ClinVar variation 239281 (VCV000239281.40), dbSNP rs148838746, ClinGen allele CA9596475.
Genomic context (GRCh38, chr19:50,413,781, plus strand): 5'-ACACATCCCCACCGCCCGCAGGTGGTGTATGGTGACACTGACTCCGTCATGTGCCGATTC[G>A]GCGTGTCCTCGGTGGCTGAGGCGATGGCCCTGGGGCGGGAGGCCGCGGACTGGGTGTCAG-3'
Protein context (NP_002682.2, residues 754-774): GDTDSVMCRF[Gly764Ser]VSSVAEAMAL